The following is an entry in ClinVar:

NM_000062.3(SERPING1):c.208_212del (p.Ser70fs)

Gene: SERPING1 (serpin family G member 1; plus strand). Cytogenetic location: 11q12.1.
Variant type: Deletion.
Coding change: c.208_212del on transcript NM_000062.3 (MANE Select); coding-DNA positions 208 to 212, 5 bases deleted (TCAAC; older notation c.208_212delTCAAC).
Protein change: p.Ser70fs; shifts the reading frame from serine 70.
Molecular consequence: frameshift variant.
Genome position (GRCh38, 1-based): chr11:57,600,035-57,600,039, TCAAC deleted; deleting any 5 consecutive bases within chr11:57,600,031-57,600,039 gives the same sequence; the c. name uses the placement nearest the transcript's 3' end. VCF-style (leftmost placement, unchanged base first): chr11-57600030-CCAACT-C. GRCh37 (hg19) VCF-style: chr11-57367503-CCAACT-C.
Other names: c.208_212del, p.Ser70fs (NM_001032295.2); short protein forms S70fs.
Identifiers: ClinVar variation 3257746 (VCV003257746.2).
Genomic context (GRCh38, chr11:57,600,030, plus strand): 5'-CAGTTATCTCCAAGATGCTATTCGTTGAACCCATCCTGGAGGTTTCCAGCTTGCCGACAA[CCAACT>C]CAACAACCAATTCAGCCACCAAAATAACAGCTAATACCACTGATGAACCCACCACACAAC-3'

ClinVar aggregate classification (germline): Pathogenic (1 of 4 stars; one submission).

Conditions:
Hereditary angioedema type 1 (HAE1). Identifiers: Orphanet 100050, Orphanet 100051, Orphanet 91378, MedGen C2717906, MONDO:0015053, OMIM 106100.

Submission:

DNA-diagnostics Laboratory, Research Centre For Medical Genetics
Classification: Pathogenic for Hereditary angioedema type 1. Last evaluated: 2024-08-03. Review status: criteria provided, single submitter. Criteria: ACMG Guidelines, 2015. Collection method: research. Allele origin: germline. Inheritance: Autosomal dominant inheritance. Affected: yes. Observed: 1 heterozygote.
Comment: According to our observation the c.208_212del variant in SERPING1 meets ACMG/ClinGen SVI guidance criteria to be classified as pathogenic: PVS1, PP4_Mod, PM2_Sup